The following is an entry in ClinVar:

NM_000066.4(C8B):c.1115_1116del (p.Leu372fs)

Gene: C8B (complement C8 beta chain; minus strand). Cytogenetic location: 1p32.2.
Variant type: Deletion.
Coding change: c.1115_1116del on transcript NM_000066.4 (MANE Select); coding-DNA positions 1115 to 1116, 2 bases deleted (TT; older notation c.1115_1116delTT).
Protein change: p.Leu372fs; shifts the reading frame from leucine 372.
Molecular consequence: frameshift variant.
Genome position (GRCh38, 1-based): chr1:56,943,814-56,943,815, AA deleted on the plus strand (TT on the coding strand, the reverse complement: C8B is on the minus strand). VCF-style (leftmost placement, unchanged base first): chr1-56943813-TAA-T. GRCh37 (hg19) VCF-style: chr1-57409486-TAA-T.
Other names: c.959_960del, p.Leu320fs (NM_001278543.2); c.929_930del, p.Leu310fs (NM_001278544.2); short protein forms L310fs, L372fs, L320fs.
Identifiers: ClinVar variation 2103578 (VCV002103578.4), dbSNP rs2522722829, ClinGen allele CA2580063068.

ClinVar aggregate classification (germline): Pathogenic (1 of 4 stars; one submission).

Submission:

Labcorp Genetics (formerly Invitae), Labcorp
Classification: Pathogenic. Last evaluated: 2022-02-25. Review status: criteria provided, single submitter. Criteria: Invitae Variant Classification Sherloc (09022015). Collection method: clinical testing. Allele origin: germline.
Comment: For these reasons, this variant has been classified as Pathogenic. This variant has not been reported in the literature in individuals affected with C8B-related conditions. This variant is not present in population databases (gnomAD no frequency). This sequence change creates a premature translational stop signal (p.Leu372Glnfs*10) in the C8B gene. It is expected to result in an absent or disrupted protein product. Loss-of-function variants in C8B are known to be pathogenic (PMID: 7594510).

Literature cited by the submitters: PubMed 7594510.